The following is an entry in ClinVar:

ClinVar aggregate classification (germline): Uncertain significance (1 of 4 stars; one submission).

Submission:

CeGaT Center for Human Genetics Tuebingen
Classification: Uncertain significance. Last evaluated: 2023-02-01. Review status: criteria provided, single submitter. Criteria: CeGaT Center For Human Genetics Tuebingen Variant Classification Criteria Version 2. Collection method: clinical testing. Allele origin: germline. Affected: yes. Observed: 1 variant allele.
Comment: DCTN1: PM2, BP4

NM_004082.5(DCTN1):c.3346-8A>G

Gene: DCTN1 (dynactin subunit 1; minus strand). Cytogenetic location: 2p13.1.
Variant type: single nucleotide variant.
Coding change: c.3346-8A>G on transcript NM_004082.5 (MANE Select); 8 bases into the intron before coding-DNA position 3346, A replaced by G.
Molecular consequence: intron variant.
Genome position (GRCh38, 1-based): chr2:74,363,185, T>C on the plus strand (A>G on the coding strand, the complement: DCTN1 is on the minus strand). VCF-style: chr2-74363185-T-C. GRCh37 (hg19) VCF-style: chr2-74590312-T-C.
Other names: c.3220-8A>G (NM_001190836.2); c.3277-8A>G (NM_001378992.1); c.3295-8A>G (NM_001378991.1); c.3271-8A>G (NM_001135040.3); c.3325-8A>G (NM_001190837.2); c.2929-8A>G (NM_001135041.3); c.2944-8A>G (NM_023019.4).
Identifiers: ClinVar variation 2498824 (VCV002498824.28), dbSNP rs2529083780, ClinGen allele CA2580068197.